The following is an entry in ClinVar:

NM_001368894.2(PAX6):c.959-3_959-2del

Gene: PAX6 (paired box 6; minus strand). Cytogenetic location: 11p13.
Variant type: Deletion.
Coding change: c.959-3_959-2del on transcript NM_001368894.2 (MANE Select); 3 bases into the intron before coding-DNA position 959 through the canonical splice acceptor site of the intron before coding-DNA position 959, 2 bases deleted (CA; older notation c.959-3_959-2delCA).
Molecular consequence: splice acceptor variant.
Genome position (GRCh38, 1-based): chr11:31,793,555-31,793,556, TG deleted on the plus strand (CA on the coding strand, the reverse complement: PAX6 is on the minus strand). VCF-style (leftmost placement, unchanged base first): chr11-31793554-CTG-C. GRCh37 (hg19) VCF-style: chr11-31815102-CTG-C.
Other names: c.758-3_758-2del (NM_001368927.2, NM_001368922.2, NM_001368925.2 and 4 more transcripts); c.959-3_959-2del (NM_001368912.2, NM_001368913.2, NM_001368892.2 and 6 more transcripts); c.1160-3_1160-2del (NM_001368910.2); c.509-3_509-2del (NM_001368909.2, NM_001368904.2, NM_001368900.2 and 11 more transcripts); c.962-3_962-2del (NM_001368911.2); c.716-3_716-2del (NM_001368928.2); c.917-3_917-2del (NM_001368916.2, NM_001258465.3, NM_001310159.1 and 10 more transcripts); c.314-3_314-2del (NM_001368930.2); and 2 more.
Identifiers: ClinVar variation 2948890 (VCV002948890.3), dbSNP rs2495077510, ClinGen allele CA2740093664.

ClinVar aggregate classification (germline): Likely pathogenic (1 of 4 stars; one submission).

Conditions:
Aniridia 1 (AN1). Identifiers: Orphanet 250923, MedGen C0344542, MONDO:0024507, OMIM 106210.
Irido-corneo-trabecular dysgenesis (ASGD5). Also called: ANTERIOR SEGMENT DYSGENESIS 5. Identifiers: Orphanet 708, MedGen C0344559, MONDO:0011414, OMIM 604229, HP:0000659.

Submission:

Labcorp Genetics (formerly Invitae), Labcorp
Classification: Likely pathogenic for Aniridia 1; Irido-corneo-trabecular dysgenesis. Last evaluated: 2023-10-14. Review status: criteria provided, single submitter. Criteria: Invitae Variant Classification Sherloc (09022015). Collection method: clinical testing. Allele origin: germline.
Comment: This sequence change affects a splice site in intron 10 of the PAX6 gene. It is expected to disrupt RNA splicing. Variants that disrupt the donor or acceptor splice site typically lead to a loss of protein function (PMID: 16199547), and loss-of-function variants in PAX6 are known to be pathogenic (PMID: 12634864). This variant is not present in population databases (gnomAD no frequency). This variant has not been reported in the literature in individuals affected with PAX6-related conditions. Algorithms developed to predict the effect of sequence changes on RNA splicing suggest that this variant may disrupt the consensus splice site. In summary, the currently available evidence indicates that the variant is pathogenic, but additional data are needed to prove that conclusively. Therefore, this variant has been classified as Likely Pathogenic.

Literature cited by the submitters: PubMed 16199547; PubMed 12634864.